The following is an entry in ClinVar:

ClinVar aggregate classification (germline): Uncertain significance (1 of 4 stars; one submission).

Conditions:
Choroidal dystrophy, central areolar, 1. Identifiers: Orphanet 75377, MedGen C4551884, MONDO:0024539, OMIM 215500.

Submission:

Centre for Mendelian Genomics, University Medical Centre Ljubljana
Classification: Uncertain significance for Choroidal dystrophy, central areolar, 1. Last evaluated: 2019-05-04. Review status: criteria provided, single submitter. Criteria: ACMG Guidelines, 2015. Collection method: clinical testing. Allele origin: unknown. Affected: yes.
Comment: This variant was classified as: Uncertain significance. The following ACMG criteria were applied in classifying this variant: PM2,PP3.

NM_000180.4(GUCY2D):c.1974C>A (p.His658Gln)

Gene: GUCY2D (guanylate cyclase 2D, retinal; plus strand). Cytogenetic location: 17p13.1.
Variant type: single nucleotide variant.
Coding change: c.1974C>A on transcript NM_000180.4 (MANE Select); coding-DNA position 1974, C replaced by A.
Protein change: p.His658Gln; replaces histidine 658 with glutamine.
Molecular consequence: missense variant.
Genome position (GRCh38, 1-based): chr17:8,012,467, C>A. VCF-style: chr17-8012467-C-A. GRCh37 (hg19) VCF-style: chr17-7915785-C-A.
Other names: short protein forms H658Q.
Identifiers: ClinVar variation 931063 (VCV000931063.3), dbSNP rs1975872237, ClinGen allele CA397952086.